The following is an entry in ClinVar:

NM_000969.5(RPL5):c.298T>G (p.Cys100Gly)

Genes: DIPK1A (divergent protein kinase domain 1A; minus strand), RPL5 (ribosomal protein L5; plus strand). Cytogenetic location: 1p22.1.
Variant type: single nucleotide variant.
Coding change: c.298T>G on transcript NM_000969.5 (MANE Select); coding-DNA position 298, T replaced by G.
Protein change: p.Cys100Gly; replaces cysteine 100 with glycine.
Molecular consequence: missense variant. On other transcripts: intron variant (1).
Genome position (GRCh38, 1-based): chr1:92,834,887, T>G. VCF-style: chr1-92834887-T-G. GRCh37 (hg19) VCF-style: chr1-93300444-T-G.
Other names: c.475-1853A>C (NM_001252273.2); short protein forms C100G.
Identifiers: ClinVar variation 1059151 (VCV001059151.9), dbSNP rs2100680814, ClinGen allele CA341241669.
Genomic context (GRCh38, chr1:92,834,887, plus strand): 5'-GCACACGAACTGCCAAAATATGGTGTGAAGGTTGGCCTGACAAATTATGCTGCAGCATAT[T>G]GTACTGGCCTGCTGCTGGCCCGCAGGGTATGTACAAGATGATTTTAATTGATGTAGTTTG-3'
Protein context (NP_000960.2, residues 90-110): VGLTNYAAAY[Cys100Gly]TGLLLARRLL

ClinVar aggregate classification (germline): Uncertain significance (1 of 4 stars; one submission).

Conditions:
Diamond-Blackfan anemia. Also called: Blackfan Diamond syndrome; Aregenerative anemia chronic congenital; Red cell aplasia, pure hereditary; Congenital hypoplastic anemia; Aase syndrome. Identifiers: Orphanet 124, MedGen C1260899, MeSH D029503, MONDO:0015253, HP:0004810.

Submission:

Labcorp Genetics (formerly Invitae), Labcorp
Classification: Uncertain significance for Diamond-Blackfan anemia. Last evaluated: 2020-10-23. Review status: criteria provided, single submitter. Criteria: Invitae Variant Classification Sherloc (09022015). Collection method: clinical testing. Allele origin: germline.
Comment: In summary, the available evidence is currently insufficient to determine the role of this variant in disease. Therefore, it has been classified as a Variant of Uncertain Significance. Algorithms developed to predict the effect of missense changes on protein structure and function are either unavailable or do not agree on the potential impact of this missense change (SIFT: "Deleterious"; PolyPhen-2: "Possibly Damaging"; Align-GVGD: "Class C0"). This variant has not been reported in the literature in individuals with RPL5-related conditions. This variant is not present in population databases (ExAC no frequency). This sequence change replaces cysteine with glycine at codon 100 of the RPL5 protein (p.Cys100Gly). The cysteine residue is highly conserved and there is a large physicochemical difference between cysteine and glycine.